The following is an entry in ClinVar:

ClinVar aggregate classification (germline): Benign/Likely benign. Review status: criteria provided, multiple submitters, no conflicts (2 of 4 stars). 4 submissions from 4 submitters: Benign (2); Likely benign (2). Last evaluated 2026-01-04.

Allele frequency attached by ClinVar (database versions not stated): gnomAD exomes 0.00069; ExAC 0.00132; ESP Exome Variant Server 0.00310; gnomAD 0.00322 and 0.00355; 1000 Genomes Project 0.00339; 1000 Genomes Project 30x 0.00344; TOPMed 0.00359.
gnomAD v4.1: 1,031 of 1,586,206 alleles (0.065%); highest among the groups gnomAD compares: African/African-American, 1.2%; 7 homozygotes.

Submissions (4):

Labcorp Genetics (formerly Invitae), Labcorp
Classification: Benign. Last evaluated: 2026-01-04. Review status: criteria provided, single submitter. Criteria: Invitae Variant Classification Sherloc (09022015). Collection method: clinical testing. Allele origin: germline.

CeGaT Center for Human Genetics Tuebingen
Classification: Likely benign. Last evaluated: 2025-06-01. Review status: criteria provided, single submitter. Criteria: CeGaT Center For Human Genetics Tuebingen Variant Classification Criteria Version 2. Collection method: clinical testing. Allele origin: germline. Affected: yes. Observed: 2 variant alleles.
Comment: GP6: BP4, BS1

Mayo Clinic Laboratories, Mayo Clinic
Classification: Likely benign. Last evaluated: 2023-10-17. Review status: criteria provided, single submitter. Criteria: ACMG Guidelines, 2015. Collection method: clinical testing. Allele origin: germline. Observed: 2 variant alleles.
Comment: BS1, BP4

Breakthrough Genomics
Classification: Benign. Review status: criteria provided, single submitter. Criteria: ACMG Guidelines, 2015. Collection method: not provided. Allele origin: germline. Inheritance: Autosomal recessive inheritance. Affected: yes.

NM_016363.5(GP6):c.828G>A (p.Gly276=)

Gene: GP6 (glycoprotein VI platelet; minus strand). Cytogenetic location: 19q13.42.
Variant type: single nucleotide variant.
Coding change: c.828G>A on transcript NM_016363.5 (MANE Select); coding-DNA position 828, G replaced by A.
Protein change: p.Gly276=; no amino-acid change (glycine 276 retained).
Molecular consequence: synonymous variant. On other transcripts: missense variant (1).
Genome position (GRCh38, 1-based): chr19:55,015,113, C>T on the plus strand (G>A on the coding strand, the complement: GP6 is on the minus strand). VCF-style: chr19-55015113-C-T. GRCh37 (hg19) VCF-style: chr19-55526481-C-T.
Other names: p.Gly278Ser; c.832G>A, p.Gly278Ser (NM_001083899.2); c.774G>A, p.Gly258= (NM_001256017.2); short protein forms G278S.
Identifiers: ClinVar variation 708641 (VCV000708641.24), dbSNP rs60843302, ClinGen allele CA310121942.